The following is an entry in ClinVar:

NM_001173464.2(KIF21A):c.2719A>G (p.Lys907Glu)

Gene: KIF21A (kinesin family member 21A; minus strand). Cytogenetic location: 12q12.
Variant type: single nucleotide variant.
Coding change: c.2719A>G on transcript NM_001173464.2 (MANE Select); coding-DNA position 2719, A replaced by G.
Protein change: p.Lys907Glu; replaces lysine 907 with glutamic acid.
Molecular consequence: missense variant.
Genome position (GRCh38, 1-based): chr12:39,332,728, T>C on the plus strand (A>G on the coding strand, the complement: KIF21A is on the minus strand). VCF-style: chr12-39332728-T-C. GRCh37 (hg19) VCF-style: chr12-39726530-T-C.
Other names: c.2680A>G, p.Lys894Glu (NM_001173463.2, NM_001378441.1, NM_017641.4); c.2611A>G, p.Lys871Glu (NM_001173465.2); c.2719A>G, p.Lys907Glu (NM_001378439.1, NM_001378440.1); short protein forms K907E, K871E, K894E.
Identifiers: ClinVar variation 4839338 (VCV004839338.1).
Genomic context (GRCh38, chr12:39,332,728, plus strand): 5'-CAAGGAGCTGCCACTTCATGCGAGCTGTCTTGGAAATAAACACTCGGCCAGTCAATCCTT[T>C]CCTCTGATATTTTTTCCTATAATCATATAAAACAGACAAGCTCAATTACTTATGCACTTA-3'
Protein context (NP_001166935.1, residues 897-917): TNGNRKKYQR[Lys907Glu]GLTGRVFISK

ClinVar aggregate classification (germline): Uncertain significance (1 of 4 stars; one submission).

Conditions:
Inborn genetic diseases. Identifiers: MedGen C0950123, MeSH D030342.

gnomAD v4.1: 1 of 1,614,106 alleles (0.000062%); highest among the groups gnomAD compares: Admixed American, 0.0017%; no homozygotes.

Submission:

Ambry Genetics
Classification: Uncertain significance for Inborn genetic diseases. Last evaluated: 2026-01-14. Review status: criteria provided, single submitter. Criteria: Ambry Variant Classification Scheme 2023. Collection method: clinical testing. Allele origin: germline.
Comment: The c.2680A>G (p.K894E) alteration is located in exon 19 (coding exon 19) of the KIF21A gene. This alteration results from a A to G substitution at nucleotide position 2680, causing the lysine (K) at amino acid position 894 to be replaced by a glutamic acid (E). Based on data from gnomAD, the G allele has an overall frequency of <0.001% (1/250892) total alleles studied. The highest observed frequency was <0.001% (/) of alleles. Based on insufficient or conflicting evidence, the clinical significance of this alteration remains unclear.